The following is an entry in ClinVar:

NM_001127222.2(CACNA1A):c.6503G>C (p.Gly2168Ala)

Gene: CACNA1A (calcium voltage-gated channel subunit alpha1 A; minus strand). Cytogenetic location: 19p13.13.
Variant type: single nucleotide variant.
Coding change: c.6503G>C on transcript NM_001127222.2 (MANE Select); coding-DNA position 6503, G replaced by C.
Protein change: p.Gly2168Ala; replaces glycine 2168 with alanine.
Molecular consequence: missense variant.
Genome position (GRCh38, 1-based): chr19:13,209,335, C>G on the plus strand (G>C on the coding strand, the complement: CACNA1A is on the minus strand). VCF-style: chr19-13209335-C-G. GRCh37 (hg19) VCF-style: chr19-13320149-C-G.
Other names: c.6521G>C, p.Gly2174Ala (NM_000068.4, NM_023035.3); c.6506G>C, p.Gly2169Ala (NM_001127221.2); c.6512G>C, p.Gly2171Ala (NM_001174080.2); short protein forms G2171A, G2174A, G2168A, G2169A.
Identifiers: ClinVar variation 1928180 (VCV001928180.5), dbSNP rs2054714568, ClinGen allele CA404330760.

ClinVar aggregate classification (germline): Uncertain significance (1 of 4 stars; one submission).

Conditions:
Episodic ataxia type 2 (EA2). Also called: ACETAZOLAMIDE-RESPONSIVE HEREDITARY PAROXYSMAL CEREBELLAR ATAXIA; ATAXIA, EPISODIC, WITH NYSTAGMUS; ATAXIA, FAMILIAL PAROXYSMAL; CEREBELLAR ATAXIA, PAROXYSMAL, ACETAZOLAMIDE-RESPONSIVE; CEREBELLOPATHY, HEREDITARY PAROXYSMAL; EPISODIC ATAXIA, NYSTAGMUS-ASSOCIATED. Identifiers: Orphanet 97, MedGen C1720416, MONDO:0007163, OMIM 108500.
Developmental and epileptic encephalopathy, 42 (DEE42A). Also called: Epileptic encephalopathy, early infantile, 42; EPILEPTIC ENCEPHALOPATHY, EARLY INFANTILE, 42A; DEVELOPMENTAL AND EPILEPTIC ENCEPHALOPATHY 42A. Identifiers: MedGen C4310716, MONDO:0014917, OMIM 617106.

gnomAD v4.1: 1 of 1,394,028 alleles (0.000072%); highest among the groups gnomAD compares: Admixed American, 0.0033%; no homozygotes.

Submission:

Labcorp Genetics (formerly Invitae), Labcorp
Classification: Uncertain significance for Developmental and epileptic encephalopathy, 42; Episodic ataxia type 2. Last evaluated: 2022-04-23. Review status: criteria provided, single submitter. Criteria: Invitae Variant Classification Sherloc (09022015). Collection method: clinical testing. Allele origin: germline.
Comment: In summary, the available evidence is currently insufficient to determine the role of this variant in disease. Therefore, it has been classified as a Variant of Uncertain Significance. Advanced modeling of protein sequence and biophysical properties (such as structural, functional, and spatial information, amino acid conservation, physicochemical variation, residue mobility, and thermodynamic stability) performed at Invitae indicates that this missense variant is not expected to disrupt CACNA1A protein function. This variant has not been reported in the literature in individuals affected with CACNA1A-related conditions. This variant is not present in population databases (gnomAD no frequency). This sequence change replaces glycine, which is neutral and non-polar, with alanine, which is neutral and non-polar, at codon 2169 of the CACNA1A protein (p.Gly2169Ala).